The following is an entry in ClinVar:

ClinVar aggregate classification (germline): Uncertain significance. Review status: criteria provided, multiple submitters, no conflicts (2 of 4 stars). 2 submissions from 2 submitters: Uncertain significance (2). Last evaluated 2024-12-31.

Conditions:
Hereditary cancer-predisposing syndrome. Also called: Tumor predisposition; Hereditary neoplastic syndrome; Neoplastic Syndromes, Hereditary; Hereditary Cancer Syndrome. Identifiers: Orphanet 140162, MedGen C0027672, MeSH D009386, MONDO:0015356.
Retinoblastoma (RB1). Also called: RETINOBLASTOMA, SOMATIC. Identifiers: Orphanet 790, MedGen C0035335, MeSH D012175, MONDO:0008380, OMIM 180200, HP:0009919. Disease mechanism: loss of function. Inheritance: Both sporadic and heritable forms are tested..

gnomAD v4.1: 23 of 1,613,548 alleles (0.0014%); highest among the groups gnomAD compares: Non-Finnish European, 0.0019%; no homozygotes.

Submissions (2):

Labcorp Genetics (formerly Invitae), Labcorp
Classification: Uncertain significance for Retinoblastoma. Last evaluated: 2024-12-31. Review status: criteria provided, single submitter. Criteria: Invitae Variant Classification Sherloc (09022015). Collection method: clinical testing. Allele origin: germline.
Comment: This sequence change replaces serine, which is neutral and polar, with cysteine, which is neutral and slightly polar, at codon 360 of the RB1 protein (p.Ser360Cys). This variant is not present in population databases (gnomAD no frequency). This variant has not been reported in the literature in individuals affected with RB1-related conditions. ClinVar contains an entry for this variant (Variation ID: 818345). Invitae Evidence Modeling of protein sequence and biophysical properties (such as structural, functional, and spatial information, amino acid conservation, physicochemical variation, residue mobility, and thermodynamic stability) indicates that this missense variant is not expected to disrupt RB1 protein function with a negative predictive value of 80%. In summary, the available evidence is currently insufficient to determine the role of this variant in disease. Therefore, it has been classified as a Variant of Uncertain Significance.

Ambry Genetics
Classification: Uncertain significance for Hereditary cancer-predisposing syndrome. Last evaluated: 2024-06-03. Review status: criteria provided, single submitter. Criteria: Ambry Variant Classification Scheme 2023. Collection method: clinical testing. Allele origin: germline.
Comment: The p.S360C variant (also known as c.1078A>T), located in coding exon 11 of the RB1 gene, results from an A to T substitution at nucleotide position 1078. The serine at codon 360 is replaced by cysteine, an amino acid with dissimilar properties. This amino acid position is not well conserved in available vertebrate species. In addition, this alteration is predicted to be tolerated by in silico analysis. Since supporting evidence is limited at this time, the clinical significance of this alteration remains unclear.

NM_000321.3(RB1):c.1078A>T (p.Ser360Cys)

Gene: RB1 (RB transcriptional corepressor 1; plus strand). Cytogenetic location: 13q14.2.
Variant type: single nucleotide variant.
Coding change: c.1078A>T on transcript NM_000321.3 (MANE Select); coding-DNA position 1078, A replaced by T.
Protein change: p.Ser360Cys; replaces serine 360 with cysteine.
Molecular consequence: missense variant.
Genome position (GRCh38, 1-based): chr13:48,368,555, A>T. VCF-style: chr13-48368555-A-T. GRCh37 (hg19) VCF-style: chr13-48942691-A-T.
Other names: short protein forms S360C.
Identifiers: ClinVar variation 818345 (VCV000818345.7), dbSNP rs1593449010, ClinGen allele CA388161174.